The following is an entry in ClinVar:

NM_015122.3(FCHO1):c.1414G>C (p.Val472Leu)

Gene: FCHO1 (FCH and mu domain containing endocytic adaptor 1; plus strand). Cytogenetic location: 19p13.11.
Variant type: single nucleotide variant.
Coding change: c.1414G>C on transcript NM_015122.3 (MANE Select); coding-DNA position 1414, G replaced by C.
Protein change: p.Val472Leu; replaces valine 472 with leucine.
Molecular consequence: missense variant. On other transcripts: intron variant (15), non-coding transcript variant (14).
Genome position (GRCh38, 1-based): chr19:17,778,671, G>C. VCF-style: chr19-17778671-G-C. GRCh37 (hg19) VCF-style: chr19-17889480-G-C.
Other names: c.1414G>C, p.Val472Leu (NM_001161357.2, NM_001161358.2, NM_001384370.1 and 13 more transcripts); c.1264G>C, p.Val422Leu (NM_001161359.2, NM_001384384.1, NM_001384385.1 and 1 more transcripts); c.1351+443G>C (NM_001384401.1, NM_001384402.1, NM_001384396.1 and 5 more transcripts); c.1352-55G>C (NM_001384392.1, NM_001384395.1, NM_001384393.1 and 1 more transcripts); c.1201+443G>C (NM_001384406.1); c.1057+2400G>C (NM_001384407.1); c.1306+443G>C (NM_001384403.1); c.1375G>C, p.Val459Leu (NM_001384388.1, NM_001384389.1, NM_001384405.1); and 1 more; short protein forms V422L, V472L, V447L, V459L.
Identifiers: ClinVar variation 3633715 (VCV003633715.2).

ClinVar aggregate classification (germline): Uncertain significance (1 of 4 stars; one submission).

gnomAD v4.1: 4 of 1,571,060 alleles (0.00025%); highest among the groups gnomAD compares: South Asian, 0.0046%; no homozygotes.

Submission:

Labcorp Genetics (formerly Invitae), Labcorp
Classification: Uncertain significance. Last evaluated: 2024-07-17. Review status: criteria provided, single submitter. Criteria: Invitae Variant Classification Sherloc (09022015). Collection method: clinical testing. Allele origin: germline.
Comment: This sequence change replaces valine, which is neutral and non-polar, with leucine, which is neutral and non-polar, at codon 472 of the FCHO1 protein (p.Val472Leu). This variant is present in population databases (rs751095231, gnomAD 0.008%). This variant has not been reported in the literature in individuals affected with FCHO1-related conditions. An algorithm developed to predict the effect of missense changes on protein structure and function (PolyPhen-2) suggests that this variant is likely to be disruptive. In summary, the available evidence is currently insufficient to determine the role of this variant in disease. Therefore, it has been classified as a Variant of Uncertain Significance.